The following is an entry in ClinVar:

ClinVar aggregate classification (germline): Likely benign (1 of 4 stars; one submission).

Conditions:
Sessile serrated polyposis cancer syndrome (SSPCS). Identifiers: Orphanet 157798, MedGen C4310714, MONDO:0014919, OMIM 617108.

gnomAD v4.1: 3 of 1,570,634 alleles (0.00019%); highest among the groups gnomAD compares: East Asian, 0.0068%; no homozygotes.

Submission:

Myriad Genetics, Inc.
Classification: Likely benign for Sessile serrated polyposis cancer syndrome. Last evaluated: 2026-06-26. Review status: criteria provided, single submitter. Criteria: Myriad Autosomal Dominant, Autosomal Recessive and X-Linked Classification Criteria (2023). Collection method: clinical testing. Allele origin: unknown.
Comment: This variant is considered likely benign. This variant is intronic and is not expected to impact mRNA splicing.

NM_017763.6(RNF43):c.253-6C>T

Gene: RNF43 (ring finger protein 43; minus strand). Cytogenetic location: 17q22.
Variant type: single nucleotide variant.
Coding change: c.253-6C>T on transcript NM_017763.6 (MANE Select); 6 bases into the intron before coding-DNA position 253, C replaced by T.
Molecular consequence: intron variant.
Genome position (GRCh38, 1-based): chr17:58,371,039, G>A on the plus strand (C>T on the coding strand, the complement: RNF43 is on the minus strand). VCF-style: chr17-58371039-G-A. GRCh37 (hg19) VCF-style: chr17-56448400-G-A.
Other names: c.253-6C>T (NM_001438822.1, NM_001305544.3, NM_001438820.1 and 1 more transcripts); c.-129-6C>T (NM_001305545.2, NM_001437987.1).
Identifiers: ClinVar variation 4875683 (VCV004875683.1).